The following is an entry in ClinVar:

ClinVar aggregate classification (germline): Uncertain significance (1 of 4 stars; one submission).

Submission:

GeneDx
Classification: Uncertain significance. Last evaluated: 2023-06-02. Review status: criteria provided, single submitter. Criteria: GeneDx Variant Classification Process June 2021. Collection method: clinical testing. Allele origin: germline. Affected: yes.
Comment: Not observed at significant frequency in large population cohorts (gnomAD); Has not been previously published as pathogenic or benign to our knowledge; In silico analysis is inconclusive as to whether the variant alters gene splicing. In the absence of RNA/functional studies, the actual effect of this sequence change is unknown.

NM_017934.7(PHIP):c.4054-10_4054-9insAACA

Genes: IRAK1BP1 (interleukin 1 receptor associated kinase 1 binding protein 1; plus strand), PHIP (PHIP subunit of CUL4-Ring ligase complex; minus strand). Cytogenetic location: 6q14.1.
Variant type: Insertion.
Coding change: c.4054-10_4054-9insAACA on transcript NM_017934.7 (MANE Select); 10 bases into the intron before coding-DNA position 4054 through 9 bases into the intron before coding-DNA position 4054, AACA inserted.
Molecular consequence: intron variant.
Genome position: GRCh38 VCF-style: chr6-78947784-G-GTGTT. GRCh37 (hg19) VCF-style: chr6-79657501-G-GTGTT.
Identifiers: ClinVar variation 3359271 (VCV003359271.1).